The following is an entry in ClinVar:

NM_015909.4(NBAS):c.3997A>G (p.Thr1333Ala)

Gene: NBAS (NBAS subunit of NRZ tethering complex; minus strand). Cytogenetic location: 2p24.3.
Variant type: single nucleotide variant.
Coding change: c.3997A>G on transcript NM_015909.4 (MANE Select); coding-DNA position 3997, A replaced by G.
Protein change: p.Thr1333Ala; replaces threonine 1333 with alanine.
Molecular consequence: missense variant. On other transcripts: non-coding transcript variant (1).
Genome position (GRCh38, 1-based): chr2:15,353,645, T>C on the plus strand (A>G on the coding strand, the complement: NBAS is on the minus strand). VCF-style: chr2-15353645-T-C. GRCh37 (hg19) VCF-style: chr2-15493769-T-C.
Other names: c.3997A>G (NM_015909.2, NM_015909.3); short protein forms T1333A.
Identifiers: ClinVar variation 1432965 (VCV001432965.9), dbSNP rs780261824, ClinGen allele CA1535824.

ClinVar aggregate classification (germline): Conflicting classifications of pathogenicity. Review status: criteria provided, conflicting classifications (1 of 4 stars). 3 submissions from 3 submitters: Uncertain significance (2); Likely benign (1). Last evaluated 2025-09-24.

Conditions:
NBAS-related disorder. Also called: NBAS-related condition.
Inborn genetic diseases. Identifiers: MedGen C0950123, MeSH D030342.

Allele frequency attached by ClinVar (database versions not stated): gnomAD exomes 0.00001 and 0.00004; ExAC 0.00002; gnomAD 0.00002 and 0.00003; TOPMed 0.00003.
gnomAD v4.1: 24 of 1,613,940 alleles (0.0015%); highest among the groups gnomAD compares: Admixed American, 0.013%; no homozygotes.

Submissions (3):

PreventionGenetics, part of Exact Sciences
Classification: Uncertain significance for NBAS-related condition. Last evaluated: 2025-09-24. Review status: criteria provided, single submitter. Criteria: ACMG Guidelines, 2015. Collection method: clinical testing. Allele origin: germline.
Comment: The NBAS c.3997A>G variant is predicted to result in the amino acid substitution p.Thr1333Ala. To our knowledge, this variant has not been reported in the literature. This variant is reported in 0.017% of alleles in individuals of Latino descent in gnomAD. At this time, the clinical significance of this variant is uncertain due to the absence of conclusive functional and genetic evidence.

Ambry Genetics
Classification: Uncertain significance for Inborn genetic diseases. Last evaluated: 2025-08-25. Review status: criteria provided, single submitter. Criteria: Ambry Variant Classification Scheme 2023. Collection method: clinical testing. Allele origin: germline.

Labcorp Genetics (formerly Invitae), Labcorp
Classification: Likely benign. Last evaluated: 2025-01-06. Review status: criteria provided, single submitter. Criteria: Invitae Variant Classification Sherloc (09022015). Collection method: clinical testing. Allele origin: germline.